The following is an entry in ClinVar:

ClinVar aggregate classification (germline): Uncertain significance (1 of 4 stars; one submission).

Conditions:
Fibrous dysplasia of jaw (CRBM). Also called: Cherubism. Identifiers: Orphanet 184, MedGen C0008029, MONDO:0007315, OMIM 118400.

Submission:

Labcorp Genetics (formerly Invitae), Labcorp
Classification: Uncertain significance for Fibrous dysplasia of jaw. Last evaluated: 2023-05-24. Review status: criteria provided, single submitter. Criteria: Invitae Variant Classification Sherloc (09022015). Collection method: clinical testing. Allele origin: germline.
Comment: This sequence change replaces leucine, which is neutral and non-polar, with arginine, which is basic and polar, at codon 550 of the SH3BP2 protein (p.Leu550Arg). This variant is not present in population databases (gnomAD no frequency). This variant has not been reported in the literature in individuals affected with SH3BP2-related conditions. Advanced modeling of protein sequence and biophysical properties (such as structural, functional, and spatial information, amino acid conservation, physicochemical variation, residue mobility, and thermodynamic stability) performed at Invitae indicates that this missense variant is not expected to disrupt SH3BP2 protein function. In summary, the available evidence is currently insufficient to determine the role of this variant in disease. Therefore, it has been classified as a Variant of Uncertain Significance.

NM_001122681.2(SH3BP2):c.1649T>G (p.Leu550Arg)

Gene: SH3BP2 (SH3 domain binding protein 2; plus strand). Cytogenetic location: 4p16.3.
Variant type: single nucleotide variant.
Coding change: c.1649T>G on transcript NM_001122681.2 (MANE Select); coding-DNA position 1649, T replaced by G.
Protein change: p.Leu550Arg; replaces leucine 550 with arginine.
Molecular consequence: missense variant.
Genome position (GRCh38, 1-based): chr4:2,833,797, T>G. VCF-style: chr4-2833797-T-G. GRCh37 (hg19) VCF-style: chr4-2835524-T-G.
Other names: c.1733T>G, p.Leu578Arg (NM_001145855.2); c.1820T>G, p.Leu607Arg (NM_001145856.2); c.1649T>G, p.Leu550Arg (NM_003023.4); short protein forms L578R, L607R, L550R.
Identifiers: ClinVar variation 2977776 (VCV002977776.3), dbSNP rs2530367571, ClinGen allele CA356059869.
Genomic context (GRCh38, chr4:2,833,797, plus strand): 5'-GTGTGGGCAGCATGGTGGAGCACTACCACACCCACGTGCTGCCCAGCCACCAGAGCCTGC[T>G]GCTGCGGCACCCCTACGGCTACACTGGGCCTAGGTGATGGCAGTCCATGTGGCTGCCAGG-3'
Protein context (NP_001116153.1, residues 540-560): THVLPSHQSL[Leu550Arg]LRHPYGYTGP